The following is an entry in ClinVar:

ClinVar aggregate classification (germline): Conflicting classifications of pathogenicity. Review status: criteria provided, conflicting classifications (1 of 4 stars). 2 submissions from 2 submitters: Likely pathogenic (1); Uncertain significance (1). Last evaluated 2025-07-22.

Allele frequency attached by ClinVar (database versions not stated): gnomAD exomes below 0.00001; ExAC 0.00001; gnomAD 0.00001.
gnomAD v4.1: 3 of 1,613,862 alleles (0.00019%); highest among the groups gnomAD compares: Admixed American, 0.0017%; no homozygotes.

Submissions (2):

GeneDx
Classification: Uncertain significance. Last evaluated: 2025-07-22. Review status: criteria provided, single submitter. Criteria: GeneDx Variant Classification Process June 2021. Collection method: clinical testing. Allele origin: germline. Affected: yes.
Comment: Not observed at significant frequency in large population cohorts (gnomAD); Canonical splice site variant with an unclear effect on protein function; Has not been previously published as pathogenic or benign to our knowledge

AiLife Diagnostics
Classification: Likely pathogenic. Last evaluated: 2021-12-15. Review status: criteria provided, single submitter. Criteria: ACMG Guidelines, 2015. Collection method: clinical testing. Allele origin: germline. Affected: yes. Observed: 1 variant allele.

NM_000501.4(ELN):c.2087-1G>A

Gene: ELN (elastin; plus strand). Cytogenetic location: 7q11.23.
Variant type: single nucleotide variant.
Coding change: c.2087-1G>A on transcript NM_000501.4 (MANE Select); the canonical splice acceptor site of the intron before coding-DNA position 2087, G replaced by A.
Molecular consequence: splice acceptor variant.
Genome position (GRCh38, 1-based): chr7:74,066,731, G>A. VCF-style: chr7-74066731-G-A. GRCh37 (hg19) VCF-style: chr7-73481061-G-A.
Other names: c.2048-1G>A (NM_001081754.3); c.1991-1G>A (NM_001081753.3); c.2273-1G>A (NM_001278939.2); c.2105-1G>A (NM_001278915.2); c.2033-1G>A (NM_001278912.2); c.2030-1G>A (NM_001081755.3); c.1889-1G>A (NM_001278916.2); c.1844-1G>A (NM_001278913.2); and 4 more.
Identifiers: ClinVar variation 1678142 (VCV001678142.2), dbSNP rs782643005, ClinGen allele CA4293392.